The following is an entry in ClinVar:

NM_001035.3(RYR2):c.2294G>A (p.Ser765Asn)

Gene: RYR2 (ryanodine receptor 2; plus strand). Cytogenetic location: 1q43.
Variant type: single nucleotide variant.
Coding change: c.2294G>A on transcript NM_001035.3 (MANE Select); coding-DNA position 2294, G replaced by A.
Protein change: p.Ser765Asn; replaces serine 765 with asparagine.
Molecular consequence: missense variant.
Genome position (GRCh38, 1-based): chr1:237,500,801, G>A. VCF-style: chr1-237500801-G-A. GRCh37 (hg19) VCF-style: chr1-237664101-G-A.
Other names: short protein forms S765N.
Identifiers: ClinVar variation 1171102 (VCV001171102.6), dbSNP rs764934687, ClinGen allele CA086006.

ClinVar aggregate classification (germline): Uncertain significance. Review status: criteria provided, multiple submitters, no conflicts (2 of 4 stars). 2 submissions from 2 submitters: Uncertain significance (2). Last evaluated 2025-11-04.

Conditions:
Cardiomyopathy (CMYO). Also called: Cardiomyopathies. Identifiers: Orphanet 167848, MedGen C0878544, MONDO:0004994, HP:0001638. Inheritance: Various modes of inheritance.
Catecholaminergic polymorphic ventricular tachycardia (CVPT). Also called: Catecholamine-induced polymorphic ventricular tachycardia. Identifiers: Orphanet 3286, MedGen C5574922, MONDO:0017990.

Allele frequency attached by ClinVar (database versions not stated): gnomAD exomes below 0.00001 and 0.00001; ExAC 0.00002; TOPMed below 0.00001.
gnomAD v4.1: 1 of 1,613,968 alleles (0.000062%); highest among the groups gnomAD compares: East Asian, 0.0022%; no homozygotes.

Submissions (2):

Color Diagnostics, LLC DBA Color Health
Classification: Uncertain significance for Cardiomyopathy. Last evaluated: 2025-11-04. Review status: criteria provided, single submitter. Criteria: ACMG Guidelines, 2015. Collection method: clinical testing. Allele origin: germline.
Comment: This missense variant replaces serine with asparagine at codon 765 of the RYR2 protein. Computational prediction suggests that this variant may not impact protein structure and function. To our knowledge, functional studies have not been reported for this variant. This variant has not been reported in individuals affected with RYR2-related disorders in the literature. This variant has been identified in 1/1613968 chromosomes in the general population by the Genome Aggregation Database (gnomAD). The available evidence is insufficient to determine the role of this variant in disease conclusively. Therefore, this variant is classified as a Variant of Uncertain Significance.

All of Us Research Program, National Institutes of Health
Classification: Uncertain significance for Catecholaminergic polymorphic ventricular tachycardia. Last evaluated: 2023-06-26. Review status: criteria provided, single submitter. Criteria: ACMG Guidelines, 2015. Collection method: clinical testing. Allele origin: germline. Inheritance: Autosomal dominant inheritance. Observed: 1 variant allele, 1 heterozygote.
Comment: This missense variant replaces serine with asparagine at codon 765 of the RYR2 protein. Computational prediction suggests that this variant may not impact protein structure and function (internally defined REVEL score threshold <= 0.5, PMID: 27666373). To our knowledge, functional studies have not been reported for this variant. This variant has not been reported in individuals affected with cardiovascular disorders in the literature. This variant has been identified in 3/249266 chromosomes in the general population by the Genome Aggregation Database (gnomAD). The available evidence is insufficient to determine the role of this variant in disease conclusively. Therefore, this variant is classified as a Variant of Uncertain Significance.

This study involves interpretation of variants in research participants for the purpose of population health screening. Participant phenotype was not available at the time of variant classification. Additional details can be found in publication PMID: 35346344, PMCID: PMC8962531